The following is an entry in ClinVar:

NM_001040142.2(SCN2A):c.2989G>T (p.Asp997Tyr)

Gene: SCN2A (sodium voltage-gated channel alpha subunit 2; plus strand). Cytogenetic location: 2q24.3.
Variant type: single nucleotide variant.
Coding change: c.2989G>T on transcript NM_001040142.2 (MANE Select); coding-DNA position 2989, G replaced by T.
Protein change: p.Asp997Tyr; replaces aspartic acid 997 with tyrosine.
Molecular consequence: missense variant.
Genome position (GRCh38, 1-based): chr2:165,354,261, G>T. VCF-style: chr2-165354261-G-T. GRCh37 (hg19) VCF-style: chr2-166210771-G-T.
Other names: c.2989G>T, p.Asp997Tyr (NM_001040143.2, NM_001371246.1, NM_001371247.1 and 1 more transcripts); short protein forms D997Y.
Identifiers: ClinVar variation 3375750 (VCV003375750.1).
Genomic context (GRCh38, chr2:165,354,261, plus strand): 5'-CTCTTCTTGGCCTTGCTTTTGAGTTCCTTCAGTTCTGACAATCTTGCTGCCACTGATGAT[G>T]ATAACGAAATGAATAATCTCCAGATTGCTGTGGGAAGGATGCAGAAAGGAATCGATTTTG-3'
Protein context (NP_001035232.1, residues 987-1007): SSDNLAATDD[Asp997Tyr]NEMNNLQIAV

ClinVar aggregate classification (germline): Likely pathogenic (1 of 4 stars; one submission).

Submission:

GeneDx
Classification: Likely pathogenic. Last evaluated: 2024-05-10. Review status: criteria provided, single submitter. Criteria: GeneDx Variant Classification Process June 2021. Collection method: clinical testing. Allele origin: germline. Affected: yes.
Comment: Not observed at significant frequency in large population cohorts (gnomAD); In silico analysis supports that this missense variant has a deleterious effect on protein structure/function; This variant is associated with the following publications: (PMID: 29141310, 32712949, 30619928, 34671977, 29649454)